The following is an entry in ClinVar:

ClinVar aggregate classification (germline): Uncertain significance. Review status: criteria provided, multiple submitters, no conflicts (2 of 4 stars). 2 submissions from 2 submitters: Uncertain significance (2). Last evaluated 2026-07-03.

Conditions:
X-linked immunodeficiency with magnesium defect, Epstein-Barr virus infection and neoplasia. Identifiers: Orphanet 317476, MedGen C3275445, MONDO:0010455, OMIM 300853.
Inborn genetic diseases. Identifiers: MedGen C0950123, MeSH D030342.

Submissions (2):

Ambry Genetics
Classification: Uncertain significance for Inborn genetic diseases. Last evaluated: 2026-07-03. Review status: criteria provided, single submitter. Criteria: Ambry Variant Classification Scheme 2023. Collection method: clinical testing. Allele origin: germline.

Labcorp Genetics (formerly Invitae), Labcorp
Classification: Uncertain significance for X-linked immunodeficiency with magnesium defect, Epstein-Barr virus infection and neoplasia. Last evaluated: 2023-06-27. Review status: criteria provided, single submitter. Criteria: Invitae Variant Classification Sherloc (09022015). Collection method: clinical testing. Allele origin: germline.
Comment: In summary, the available evidence is currently insufficient to determine the role of this variant in disease. Therefore, it has been classified as a Variant of Uncertain Significance. Advanced modeling of protein sequence and biophysical properties (such as structural, functional, and spatial information, amino acid conservation, physicochemical variation, residue mobility, and thermodynamic stability) performed at Invitae indicates that this missense variant is expected to disrupt MAGT1 protein function. This variant has not been reported in the literature in individuals affected with MAGT1-related conditions. This variant is not present in population databases (gnomAD no frequency). This sequence change replaces arginine, which is basic and polar, with cysteine, which is neutral and slightly polar, at codon 94 of the MAGT1 protein (p.Arg94Cys).

NM_001367916.1(MAGT1):c.184C>T (p.Arg62Cys)

Gene: MAGT1 (magnesium transporter 1; minus strand). Cytogenetic location: Xq21.1.
Variant type: single nucleotide variant.
Coding change: c.184C>T on transcript NM_001367916.1 (MANE Select); coding-DNA position 184, C replaced by T.
Protein change: p.Arg62Cys; replaces arginine 62 with cysteine.
Molecular consequence: missense variant.
Genome position (GRCh38, 1-based): chrX:77,875,516, G>A on the plus strand (C>T on the coding strand, the complement: MAGT1 is on the minus strand). VCF-style: chrX-77875516-G-A. GRCh37 (hg19) VCF-style: chrX-77131013-G-A.
Other names: c.280C>T, p.Arg94Cys (NM_032121.5); short protein forms R62C, R94C.
Identifiers: ClinVar variation 2918067 (VCV002918067.4), dbSNP rs2522019773, ClinGen allele CA413712035.
Genomic context (GRCh38, chrX:77,875,516, plus strand): 5'-GGAGAGCAGTGAACATGACGATAACGGAGTAATTTCTCGGTGGGGCTTTCACAAGGCGAC[G>A]GAACTTGTCTCCATTCATTCTTATTACAGGTCTTTTGTTAGTCCATTCCATCAGCTGACT-3'
Protein context (NP_001354845.1, residues 52-72): PVIRMNGDKF[Arg62Cys]RLVKAPPRNY